The following is an entry in ClinVar:

NM_001042492.3(NF1):c.7682C>G (p.Ser2561Ter)

Gene: NF1 (neurofibromin 1; plus strand). Cytogenetic location: 17q11.2.
Variant type: single nucleotide variant.
Coding change: c.7682C>G on transcript NM_001042492.3 (MANE Select); coding-DNA position 7682, C replaced by G.
Protein change: p.Ser2561Ter; replaces serine 2561 with a stop codon.
Molecular consequence: nonsense.
Genome position (GRCh38, 1-based): chr17:31,356,526, C>G. VCF-style: chr17-31356526-C-G. GRCh37 (hg19) VCF-style: chr17-29683544-C-G.
Other names: c.7619C>G, p.Ser2540Ter (NM_000267.4); short protein forms S2540*, S2561*.
Identifiers: ClinVar variation 1074475 (VCV001074475.9), dbSNP rs2070274228, ClinGen allele CA399018123.
Genomic context (GRCh38, chr17:31,356,526, plus strand): 5'-GGAAAAGTTTTGATCACTTGATATCAGACACAAAGGCTCCTAAAAGGCAAGAAATGGAAT[C>G]AGGGATCACAACACCCCCCAAAATGAGGAGAGTAGCAGAAACTGATTATGAAATGGGTGA-3'

ClinVar aggregate classification (germline): Pathogenic. Review status: criteria provided, multiple submitters, no conflicts (2 of 4 stars). 5 submissions from 5 submitters: Pathogenic (5). Last evaluated 2026-03-23.

Conditions:
Neurofibromatosis, type 1 (NF1). Also called: VON RECKLINGHAUSEN DISEASE; Neurofibromatosis, type I; NEUROFIBROMATOSIS, TYPE I, SOMATIC; Peripheral type neurofibromatosis. Identifiers: Orphanet 636, MedGen C0027831, MONDO:0018975, OMIM 162200. Disease mechanism: loss of function.

Submissions (5):

Myriad Genetics, Inc.
Classification: Pathogenic for Neurofibromatosis, type 1. Last evaluated: 2026-03-23. Review status: criteria provided, single submitter. Criteria: Myriad Autosomal Dominant, Autosomal Recessive and X-Linked Classification Criteria (2023). Collection method: clinical testing. Allele origin: unknown.
Comment: This variant is considered pathogenic. This variant creates a termination codon and is predicted to result in premature protein truncation.

Institute of Human Genetics, University of Leipzig Medical Center
Classification: Pathogenic for Neurofibromatosis, type 1. Last evaluated: 2026-02-12. Review status: criteria provided, single submitter. Criteria: ACMG Guidelines, 2015. Collection method: clinical testing. Allele origin: maternal. Inheritance: Autosomal dominant inheritance. Affected: yes.
Comment: Criteria applied: PVS1,PM2,PS4_SUP

GeneDx
Classification: Pathogenic. Last evaluated: 2024-01-05. Review status: criteria provided, single submitter. Criteria: GeneDx Variant Classification Process June 2021. Collection method: clinical testing. Allele origin: germline. Affected: yes.
Comment: Identified in patients with features of NF1 referred for genetic testing at GeneDx and in published literature (PMID: 26740943, 31766501); Not observed at significant frequency in large population cohorts (gnomAD); Nonsense variant predicted to result in protein truncation or nonsense mediated decay in a gene for which loss of function is a known mechanism of disease; This variant is associated with the following publications: (PMID: 26740943, 36625737, 31766501)

Labcorp Genetics (formerly Invitae), Labcorp
Classification: Pathogenic for Neurofibromatosis, type 1. Last evaluated: 2023-01-21. Review status: criteria provided, single submitter. Criteria: Invitae Variant Classification Sherloc (09022015). Collection method: clinical testing. Allele origin: germline.
Comment: For these reasons, this variant has been classified as Pathogenic. ClinVar contains an entry for this variant (Variation ID: 1074475). This premature translational stop signal has been observed in individual(s) with clinical features of neurofibromatosis type 1 (PMID: 26740943). This variant is not present in population databases (gnomAD no frequency). This sequence change creates a premature translational stop signal (p.Ser2540*) in the NF1 gene. It is expected to result in an absent or disrupted protein product. Loss-of-function variants in NF1 are known to be pathogenic (PMID: 10712197, 23913538).

ARUP Laboratories, Molecular Genetics and Genomics, ARUP Laboratories
Classification: Pathogenic. Last evaluated: 2022-12-29. Review status: criteria provided, single submitter. Criteria: ARUP Molecular Germline Variant Investigation Process 2024. Collection method: clinical testing. Allele origin: germline.
Comment: The NF1 c.7682C>G; p.Ser2561Ter variant (also known as NM_000267.3: c.7619C>G p.Ser2540Ter) is reported in the literature in an individual with neurofibromatosis type 1 (Bianchessi 2015). This variant is also reported in ClinVar (Variation ID: 1074475). It is absent from the Genome Aggregation Database, indicating it is not a common polymorphism. This variant induces an early termination codon and is predicted to result in a truncated protein or mRNA subject to nonsense-mediated decay. Based on available information, this variant is considered to be pathogenic. References: Bianchessi D et al. 126 novel mutations in Italian patients with neurofibromatosis type 1. Mol Genet Genomic Med. 2015 Jul 7;3(6):513-25. PMID: 26740943.

Literature cited by the submitters: PubMed 26740943 (cited by Labcorp Genetics (formerly Invitae), Labcorp); PubMed 10712197 (cited by Labcorp Genetics (formerly Invitae), Labcorp); PubMed 23913538 (cited by Labcorp Genetics (formerly Invitae), Labcorp).